The following is an entry in ClinVar:

NM_000548.5(TSC2):c.3695C>T (p.Ser1232Phe)

Gene: TSC2 (TSC complex subunit 2; plus strand). Cytogenetic location: 16p13.3.
Variant type: single nucleotide variant.
Coding change: c.3695C>T on transcript NM_000548.5 (MANE Select); coding-DNA position 3695, C replaced by T.
Protein change: p.Ser1232Phe; replaces serine 1232 with phenylalanine.
Molecular consequence: missense variant.
Genome position (GRCh38, 1-based): chr16:2,081,679, C>T. VCF-style: chr16-2081679-C-T. GRCh37 (hg19) VCF-style: chr16-2131680-C-T.
Other names: c.3563C>T, p.Ser1188Phe (NM_001077183.3, NM_001370404.1); c.3695C>T, p.Ser1232Phe (NM_001114382.3); c.3455C>T, p.Ser1152Phe (NM_001318827.2); c.3419C>T, p.Ser1140Phe (NM_001318829.2); c.2963C>T, p.Ser988Phe (NM_001318831.2); c.3596C>T, p.Ser1199Phe (NM_001318832.2); c.3566C>T, p.Ser1189Phe (NM_001363528.2, NM_001370405.1, NM_021055.3); short protein forms S1232F, S988F, S1140F, S1152F, S1199F, S1188F, S1189F.
Identifiers: ClinVar variation 265989 (VCV000265989.4), dbSNP rs886039876, ClinGen allele CA10588935.

ClinVar aggregate classification (germline): Uncertain significance. Review status: criteria provided, multiple submitters, no conflicts (2 of 4 stars). 3 submissions from 3 submitters: Uncertain significance (2). 1 of the submissions does not count toward it. Last evaluated 2026-09-02.

Conditions:
Isolated focal cortical dysplasia type II (FCORD2). Also called: CORTICAL DYSPLASIA OF TAYLOR; Focal cortical dysplasia type II. Identifiers: Orphanet 268994, MedGen C1846385, MONDO:0011818, OMIM 607341, HP:0032051.
Tuberous sclerosis 2 (TSC2). Identifiers: Orphanet 805, MedGen C1860707, MONDO:0013199, OMIM 613254.
Hereditary cancer-predisposing syndrome. Also called: Hereditary Cancer Syndrome; Tumor predisposition; Hereditary neoplastic syndrome; Neoplastic Syndromes, Hereditary. Identifiers: Orphanet 140162, MedGen C0027672, MeSH D009386, MONDO:0015356.

Allele frequency attached by ClinVar (database versions not stated): gnomAD 0.00001; TOPMed below 0.00001.
gnomAD v4.1: 1 of 1,612,894 alleles (0.000062%); highest among the groups gnomAD compares: Non-Finnish European, 0.000085%; no homozygotes.

Submissions (3):

Ambry Genetics
Classification: Uncertain significance for Hereditary cancer-predisposing syndrome. Last evaluated: 2026-09-02. Review status: criteria provided, single submitter. Criteria: Ambry Variant Classification Scheme 2023. Collection method: clinical testing. Allele origin: germline.
Comment: The p.S1232F variant (also known as c.3695C>T), located in coding exon 30 of the TSC2 gene, results from a C to T substitution at nucleotide position 3695. The serine at codon 1232 is replaced by phenylalanine, an amino acid with highly dissimilar properties. This amino acid position is highly conserved in available vertebrate species. In addition, this alteration is predicted to be deleterious by in silico analysis. Based on the available evidence, the clinical significance of this variant remains unclear.

Baylor Genetics
Classification: Uncertain significance for Isolated focal cortical dysplasia type II. Last evaluated: 2023-06-29. Review status: criteria provided, single submitter. Criteria: ACMG Guidelines, 2015. Collection method: clinical testing. Allele origin: unknown.

Bioscientia Institut fuer Medizinische Diagnostik GmbH, Sonic Healthcare
Classification: Uncertain significance for Tuberous sclerosis 2. Review status: no assertion criteria provided. Collection method: clinical testing. Allele origin: germline. Affected: yes. Not counted in ClinVar's aggregate classification.